The following is an entry in ClinVar:

ClinVar aggregate classification (germline): Pathogenic (1 of 4 stars; one submission).

Allele frequency attached by ClinVar (database versions not stated): gnomAD 0.00001; gnomAD exomes 0.00001 and 0.00002; TOPMed 0.00002.

Submission:

Labcorp Genetics (formerly Invitae), Labcorp
Classification: Pathogenic. Last evaluated: 2024-08-05. Review status: criteria provided, single submitter. Criteria: Invitae Variant Classification Sherloc (09022015). Collection method: clinical testing. Allele origin: germline.
Comment: This sequence change creates a premature translational stop signal (p.Glu225Lysfs*19) in the IMPG1 gene. It is expected to result in an absent or disrupted protein product. Loss-of-function variants in IMPG1 are known to be pathogenic (PMID: 23993198). This variant is present in population databases (no rsID available, gnomAD 0.002%). This variant has not been reported in the literature in individuals affected with IMPG1-related conditions. ClinVar contains an entry for this variant (Variation ID: 1352556). For these reasons, this variant has been classified as Pathogenic.

Literature cited by the submitters: PubMed 23993198.

NM_001563.4(IMPG1):c.672del (p.Glu225fs)

Gene: IMPG1 (interphotoreceptor matrix proteoglycan 1; minus strand). Cytogenetic location: 6q14.1.
Variant type: Deletion.
Coding change: c.672del on transcript NM_001563.4 (MANE Select); coding-DNA position 672, one base deleted (A; older notation c.672delA).
Protein change: p.Glu225fs; shifts the reading frame from glutamic acid 225.
Molecular consequence: frameshift variant.
Genome position (GRCh38, 1-based): chr6:76,018,853, T deleted on the plus strand (A on the coding strand, the reverse complement: IMPG1 is on the minus strand). VCF-style (leftmost placement, unchanged base first): chr6-76018852-CT-C. GRCh37 (hg19) VCF-style: chr6-76728569-CT-C.
Other names: c.438del, p.Glu147fs (NM_001282368.2); short protein forms E147fs, E225fs.
Identifiers: ClinVar variation 1352556 (VCV001352556.6), dbSNP rs1562371894, ClinGen allele CA568166487.